The following is an entry in ClinVar:

ClinVar aggregate classification (germline): Uncertain significance (1 of 4 stars; one submission).

Conditions:
Hereditary cancer-predisposing syndrome. Also called: Neoplastic Syndromes, Hereditary; Tumor predisposition; Hereditary Cancer Syndrome; Hereditary neoplastic syndrome. Identifiers: Orphanet 140162, MedGen C0027672, MeSH D009386, MONDO:0015356.

Submission:

Color Diagnostics, LLC DBA Color Health
Classification: Uncertain significance for Hereditary cancer-predisposing syndrome. Last evaluated: 2023-10-09. Review status: criteria provided, single submitter. Criteria: ACMG Guidelines, 2015. Collection method: clinical testing. Allele origin: germline.
Comment: This variant inserts 1 nucleotide in exon 16 of the CDH1 gene, causing a frameshift in the last exon and addition of 31 new amino acids before introducing a stop codon. This results in a protein product that is 31 amino acids longer than the normal protein product. To our knowledge, this variant has not been reported in individuals affected with CDH1-related disorders in the literature. This variant has not been identified in the general population by the Genome Aggregation Database (gnomAD). Loss of CDH1 function is a known mechanism of disease. The available evidence is insufficient to determine the role of this variant in disease conclusively. Therefore, this variant is classified as a Variant of Uncertain Significance.

NM_004360.5(CDH1):c.2647dup (p.Ter883LeuextTer?)

Gene: CDH1 (cadherin 1; plus strand). Cytogenetic location: 16q22.1.
Variant type: Duplication.
Coding change: c.2647dup on transcript NM_004360.5 (MANE Select); coding-DNA position 2647, one base duplicated (T; older notation c.2647dupT).
Protein change: p.Ter883LeuextTer?.
Molecular consequence: frameshift variant, stop lost.
Genome position (GRCh38, 1-based): chr16:68,833,497, T duplicated. VCF-style (leftmost placement, unchanged base first): chr16-68833496-C-CT. GRCh37 (hg19) VCF-style: chr16-68867399-C-CT.
Other names: c.2464dup, p.Ter822LeuextTer? (NM_001317184.2); c.1099dup, p.Ter367LeuextTer? (NM_001317185.2); c.682dup, p.Ter228LeuextTer? (NM_001317186.2).
Identifiers: ClinVar variation 3894390 (VCV003894390.1).